The following is an entry in ClinVar:

ClinVar aggregate classification (germline): Likely benign. Review status: criteria provided, multiple submitters, no conflicts (2 of 4 stars). 5 submissions from 5 submitters: Likely benign (5). Last evaluated 2024-04-25.

Conditions:
Catecholaminergic polymorphic ventricular tachycardia (CVPT). Also called: Catecholamine-induced polymorphic ventricular tachycardia. Identifiers: Orphanet 3286, MedGen C5574922, MONDO:0017990.
Cardiomyopathy (CMYO). Also called: Cardiomyopathies. Identifiers: Orphanet 167848, MedGen C0878544, MONDO:0004994, HP:0001638. Inheritance: Various modes of inheritance.
Cardiovascular phenotype. Identifiers: MedGen CN230736.

Allele frequency attached by ClinVar (database versions not stated): gnomAD exomes below 0.00001.
gnomAD v4.1: 2 of 1,614,008 alleles (0.00012%); highest among the groups gnomAD compares: East Asian, 0.0045%; no homozygotes.

Submissions (5):

All of Us Research Program, National Institutes of Health
Classification: Likely benign for Catecholaminergic polymorphic ventricular tachycardia. Last evaluated: 2024-04-25. Review status: criteria provided, single submitter. Criteria: ACMG Guidelines, 2015. Collection method: clinical testing. Allele origin: germline. Inheritance: Autosomal dominant inheritance. Observed: 1 variant allele, 1 heterozygote.
Comment: This study involves interpretation of variants in research participants for the purpose of population health screening. Participant phenotype was not available at the time of variant classification. Additional details can be found in publication PMID: 35346344, PMCID: PMC8962531

Blueprint Genetics
Classification: Likely benign. Last evaluated: 2022-11-18. Review status: criteria provided, single submitter. Criteria: ACMG Guidelines, 2015. Collection method: clinical testing. Allele origin: germline.

Ambry Genetics
Classification: Likely benign for Cardiovascular phenotype. Last evaluated: 2021-07-30. Review status: criteria provided, single submitter. Criteria: Ambry Variant Classification Scheme 2023. Collection method: clinical testing. Allele origin: germline.

Color Diagnostics, LLC DBA Color Health
Classification: Likely benign for Cardiomyopathy. Last evaluated: 2019-08-14. Review status: criteria provided, single submitter. Criteria: ACMG Guidelines, 2015. Collection method: clinical testing. Allele origin: germline.

Labcorp Genetics (formerly Invitae), Labcorp
Classification: Likely benign for Catecholaminergic polymorphic ventricular tachycardia 1. Last evaluated: 2018-06-26. Review status: criteria provided, single submitter. Criteria: Invitae Variant Classification Sherloc (09022015). Collection method: clinical testing. Allele origin: germline.

NM_001035.3(RYR2):c.2316A>G (p.Gly772=)

Gene: RYR2 (ryanodine receptor 2; plus strand). Cytogenetic location: 1q43.
Variant type: single nucleotide variant.
Coding change: c.2316A>G on transcript NM_001035.3 (MANE Select); coding-DNA position 2316, A replaced by G.
Protein change: p.Gly772=; no amino-acid change (glycine 772 retained).
Molecular consequence: synonymous variant.
Genome position (GRCh38, 1-based): chr1:237,500,823, A>G. VCF-style: chr1-237500823-A-G. GRCh37 (hg19) VCF-style: chr1-237664123-A-G.
Identifiers: ClinVar variation 761629 (VCV000761629.13), dbSNP rs1482407990, ClinGen allele CA423817695.